The following is an entry in ClinVar:

NM_000059.4(BRCA2):c.5986G>T (p.Ala1996Ser)

Gene: BRCA2 (BRCA2 DNA repair associated; plus strand). Cytogenetic location: 13q13.1.
Variant type: single nucleotide variant.
Coding change: c.5986G>T on transcript NM_000059.4 (MANE Select); coding-DNA position 5986, G replaced by T.
Protein change: p.Ala1996Ser; replaces alanine 1996 with serine.
Molecular consequence: missense variant.
Genome position (GRCh38, 1-based): chr13:32,340,341, G>T. VCF-style: chr13-32340341-G-T. GRCh37 (hg19) VCF-style: chr13-32914478-G-T.
Other names: short protein forms A1996S.
Identifiers: ClinVar variation 38012 (VCV000038012.23), dbSNP rs80358833, ClinGen allele CA023458.

ClinVar aggregate classification (germline): Conflicting classifications of pathogenicity. Review status: criteria provided, conflicting classifications (1 of 4 stars). 8 submissions from 8 submitters: Uncertain significance (5); Likely benign (1). 2 of the submissions do not count toward it. Last evaluated 2026-01-12.

Conditions:
Glioma susceptibility 3 (GLM3). Also called: Glioblastoma 3. Identifiers: Orphanet 182067, Orphanet 360, MedGen C2751641, MONDO:0013093, OMIM 613029.
Prostate cancer. Also called: Malignant tumor of prostate. Identifiers: Orphanet 1331, MedGen C0376358, MONDO:0008315, HP:0012125.
Breast-ovarian cancer, familial, susceptibility to, 2 (BROVCA2). Also called: BRCA2 Hereditary Breast and Ovarian Cancer. Identifiers: Orphanet 145, MedGen C2675520, MONDO:0012933, OMIM 612555. Disease mechanism: loss of function.
Wilms tumor 1 (WT1). Also called: Wilms tumor, somatic. Identifiers: Orphanet 654, MedGen CN033288, MONDO:0008679, OMIM 194070.
Medulloblastoma (MDB). Also called: MEDULLOBLASTOMA PREDISPOSITION SYNDROME; Medulloblastoma, somatic. Identifiers: Orphanet 616, MedGen C0025149, MeSH D008527, MONDO:0007959, OMIM 155255, HP:0002885.
Fanconi anemia complementation group D1. Also called: BRCA2-Related Fanconi Anemia. Identifiers: Orphanet 319462, MedGen C1838457, MONDO:0011584, OMIM 605724.
Familial cancer of breast. Also called: Hereditary breast cancer; hereditary breast carcinoma; BREAST CANCER, FAMILIAL. Identifiers: Orphanet 227535, MedGen C0346153, MONDO:0016419, OMIM 114480. Disease mechanism: loss of function.
Pancreatic cancer, susceptibility to, 2. Identifiers: Orphanet 1333, MedGen C3150546, MONDO:0013235, OMIM 613347.
Hereditary cancer-predisposing syndrome. Also called: Hereditary neoplastic syndrome; Hereditary Cancer Syndrome; Tumor predisposition; Neoplastic Syndromes, Hereditary. Identifiers: Orphanet 140162, MedGen C0027672, MeSH D009386, MONDO:0015356.
Hereditary breast ovarian cancer syndrome. Also called: Breast and ovarian cancer; Hereditary breast and/or ovarian cancer syndrome; Hereditary breast and ovarian cancer; Hereditary breast and ovarian cancer syndrome; BRCA1- and BRCA2-Associated Hereditary Breast and Ovarian Cancer; Hereditary breast and ovarian cancer syndrome (HBOC). Identifiers: Orphanet 145, MedGen C0677776, MeSH D061325, MONDO:0003582. Disease mechanism: loss of function.

gnomAD v4.1: 3 of 1,613,970 alleles (0.00019%); highest among the groups gnomAD compares: Non-Finnish European, 0.00017%; no homozygotes.

Submissions (8):

Labcorp Genetics (formerly Invitae), Labcorp
Classification: Uncertain significance for Hereditary breast ovarian cancer syndrome. Last evaluated: 2026-01-12. Review status: criteria provided, single submitter. Criteria: Invitae Variant Classification Sherloc (09022015). Collection method: clinical testing. Allele origin: germline.
Comment: This sequence change replaces alanine, which is neutral and non-polar, with serine, which is neutral and polar, at codon 1996 of the BRCA2 protein (p.Ala1996Ser). This variant is not present in population databases (gnomAD no frequency). This variant has not been reported in the literature in individuals affected with BRCA2-related conditions. ClinVar contains an entry for this variant (Variation ID: 38012). Invitae Evidence Modeling of protein sequence and biophysical properties (such as structural, functional, and spatial information, amino acid conservation, physicochemical variation, residue mobility, and thermodynamic stability) indicates that this missense variant is not expected to disrupt BRCA2 protein function with a negative predictive value of 95%. In summary, the available evidence is currently insufficient to determine the role of this variant in disease. Therefore, it has been classified as a Variant of Uncertain Significance.

Ambry Genetics
Classification: Uncertain significance for Hereditary cancer-predisposing syndrome. Last evaluated: 2025-04-10. Review status: criteria provided, single submitter. Criteria: Ambry Variant Classification Scheme 2023. Collection method: clinical testing. Allele origin: germline.
Comment: The p.A1996S variant (also known as c.5986G>T), located in coding exon 10 of the BRCA2 gene, results from a G to T substitution at nucleotide position 5986. The alanine at codon 1996 is replaced by serine, an amino acid with similar properties. This amino acid position is well conserved in available vertebrate species. In addition, the in silico prediction for this alteration is inconclusive. Based on the available evidence, the clinical significance of this variant remains unclear.

Institute for Biomarker Research, Medical Diagnostic Laboratories, L.L.C.
Classification: Uncertain significance for Hereditary breast ovarian cancer syndrome. Last evaluated: 2024-04-16. Review status: criteria provided, single submitter. Criteria: ACMG Guidelines, 2015. Collection method: clinical testing. Allele origin: germline.

University of Washington Department of Laboratory Medicine, University of Washington
Classification: Likely benign for Hereditary cancer-predisposing syndrome. Last evaluated: 2023-03-23. Review status: criteria provided, single submitter. Criteria: Dines et al. (Genet Med. 2020). Collection method: curation. Allele origin: germline.
Comment: Missense variant in a coldspot region where missense variants are very unlikely to be pathogenic (PMID:31911673).

BRCA2 exon 11 coldspot. Reclassification based on statistical prior probability.

Color Diagnostics, LLC DBA Color Health
Classification: Uncertain significance for Hereditary cancer-predisposing syndrome. Last evaluated: 2019-12-10. Review status: criteria provided, single submitter. Criteria: ACMG Guidelines, 2015. Collection method: clinical testing. Allele origin: germline.
Comment: This missense variant replaces alanine with serine at codon 1996 of the BRCA2 protein. Computational prediction suggests that this variant may have deleterious impact on protein structure and function (internally defined REVEL score threshold >= 0.7, PMID: 27666373). Splice site prediction tools suggest that this variant may not impact RNA splicing. To our knowledge, functional studies have not been performed for this variant. This variant has not been reported in individuals affected with hereditary cancer in the literature. This variant has not been identified in the general population by the Genome Aggregation Database (gnomAD). The available evidence is insufficient to determine the role of this variant in disease conclusively. Therefore, this variant is classified as a Variant of Uncertain Significance.

Fulgent Genetics
Classification: Uncertain significance for Familial cancer of breast; Medulloblastoma; Familial prostate cancer; Wilms tumor 1; Fanconi anemia complementation group D1; Breast-ovarian cancer, familial, susceptibility to, 2; Glioma susceptibility 3; Pancreatic cancer, susceptibility to, 2. Last evaluated: 2018-10-31. Review status: criteria provided, single submitter. Criteria: ACMG Guidelines, 2015. Collection method: clinical testing. Allele origin: unknown.

Sharing Clinical Reports Project (SCRP)
Classification: Uncertain significance for Breast-ovarian cancer, familial 2. Last evaluated: 2007-05-07. Review status: no assertion criteria provided. Collection method: clinical testing. Allele origin: germline. Not counted in ClinVar's aggregate classification.

Department of Pathology and Laboratory Medicine, Sinai Health System
Classification: Uncertain significance. Review status: no assertion criteria provided. Collection method: clinical testing. Allele origin: unknown. Affected: yes. Study: The Canadian Open Genetics Repository (COGR). Not counted in ClinVar's aggregate classification.
Comment: The p.Ala1996Ser variant was not identified in the literature nor was it identified in the NHLBI Exome Sequencing Project (Exome Variant Server), HGMD, LOVD, COSMIC, GeneInsight-VariantWire through the Canadian Open Genetics Repository, and BIC databases. The variant was identified in dbSNP (ID: rs80358833) â€šÃ„ÃºWith Uncertain significance, other alleleâ€šÃ„Ã¹, with a minor allele frequency of 0.0014 (7 of 5000 chromosomes tested in the 1000 Genomes Project); it was identified in the Exome Aggregation Consortium (ExAC) database (released Oct 20th, 2014) in 63 of 120494 chromosomes (frequency: 0.0005228) from a population of South Asian (59/16510), European Non-Finnish (3/66402) and African (1/9856) individuals, and not in European (Finnish), East Asian, Latino or other individuals. In the ClinVar database (it was classified as an uncertain variant by the Sharing Clinical Reports Project, derived from Myriad reports); and in UMD (1X as a 3-unknown variant). In addition, Myriad classifies this as a VUS (personal communication). The p.Ala1996 residue is conserved across mammals and lower organisms, and four out of five computational analyses (PolyPhen-2, SIFT, AlignGVGD, MutationTaster) suggest that the Serine (Ser) variant may impact the protein. However, this information is not predictive enough to assume pathogenicity. The p.Ala1996Ser variant occurs outside of the splicing consensus sequence and in silico or computational prediction software programs (SpliceSiteFinder, MaxEntScan, NNSPLICE, GeneSplicer, HumanSpliceFinder) do not predict a difference in splicing. In summary, based on the above information, the clinical significance of this variant cannot be determined with certainty at this time. This variant is classified as a variant of unknown significance.